The following is an entry in ClinVar:

NM_018127.7(ELAC2):c.2275A>G (p.Thr759Ala)

Gene: ELAC2 (elaC ribonuclease Z 2; minus strand). Cytogenetic location: 17p12.
Variant type: single nucleotide variant.
Coding change: c.2275A>G on transcript NM_018127.7 (MANE Select); coding-DNA position 2275, A replaced by G.
Protein change: p.Thr759Ala; replaces threonine 759 with alanine.
Molecular consequence: missense variant.
Genome position (GRCh38, 1-based): chr17:12,993,024, T>C on the plus strand (A>G on the coding strand, the complement: ELAC2 is on the minus strand). VCF-style: chr17-12993024-T-C. GRCh37 (hg19) VCF-style: chr17-12896341-T-C.
Other names: c.2155A>G, p.Thr719Ala (NM_001165962.2); c.2272A>G, p.Thr758Ala (NM_173717.2); short protein forms T759A, T719A, T758A.
Identifiers: ClinVar variation 241276 (VCV000241276.5), dbSNP rs199998904, ClinGen allele CA8400844.

ClinVar aggregate classification (germline): Uncertain significance (1 of 4 stars; one submission).

Conditions:
Combined oxidative phosphorylation defect type 17. Also called: Combined oxidative phosphorylation deficiency 17. Identifiers: Orphanet 369913, MedGen C3809526, MONDO:0014190, OMIM 615440.

Allele frequency attached by ClinVar (database versions not stated): ExAC 0.00004; gnomAD 0.00004 and 0.00006; gnomAD exomes 0.00004 and 0.00010; TOPMed 0.00006; ESP Exome Variant Server 0.00015; 1000 Genomes Project 30x 0.00016; 1000 Genomes Project 0.00020.
gnomAD v4.1: 145 of 1,604,086 alleles (0.009%); highest among the groups gnomAD compares: Non-Finnish European, 0.012%; no homozygotes.

Submission:

Labcorp Genetics (formerly Invitae), Labcorp
Classification: Uncertain significance for Combined oxidative phosphorylation defect type 17. Last evaluated: 2022-10-17. Review status: criteria provided, single submitter. Criteria: Invitae Variant Classification Sherloc (09022015). Collection method: clinical testing. Allele origin: germline.
Comment: This sequence change replaces threonine, which is neutral and polar, with alanine, which is neutral and non-polar, at codon 759 of the ELAC2 protein (p.Thr759Ala). This variant is present in population databases (rs199998904, gnomAD 0.01%). This variant has not been reported in the literature in individuals affected with ELAC2-related conditions. ClinVar contains an entry for this variant (Variation ID: 241276). Advanced modeling of protein sequence and biophysical properties (such as structural, functional, and spatial information, amino acid conservation, physicochemical variation, residue mobility, and thermodynamic stability) performed at Invitae indicates that this missense variant is not expected to disrupt ELAC2 protein function. In summary, the available evidence is currently insufficient to determine the role of this variant in disease. Therefore, it has been classified as a Variant of Uncertain Significance.